The following is an entry in ClinVar:

ClinVar aggregate classification (germline): Likely pathogenic (1 of 4 stars; one submission).

Conditions:
Hypertrophic cardiomyopathy 1 (CMH1). Also called: Familial hypertrophic cardiomyopathy 1; MYH7-Related Familial Hypertrophic Cardiomyopathy. Identifiers: MedGen C3495498, MONDO:0008647, OMIM 192600.

Submission:

3billion
Classification: Likely pathogenic for Hypertrophic cardiomyopathy 1. Last evaluated: 2025-10-03. Review status: criteria provided, single submitter. Criteria: ACMG Guidelines, 2015. Collection method: clinical testing. Allele origin: germline. Affected: yes.
Comment: The variant is not observed in the gnomAD v4.1.0 dataset. Predicted Consequence/Location: The variant is located in a mutational hot spot and/or well-established functional domain in which established pathogenic variants have been reported (PMID: 29300372). In silico tool predictions suggest damaging effect of the variant on gene or gene product [REVEL: 0.88 (>=0.6, sensitivity 0.68 and specificity 0.92); 3Cnet: 0.99 (> 0.75, sensitivity 0.96 and precision 0.92)]. Different missense changes at the same codon (p.Val698Ala, p.Val698Met) have been reported as pathogenic/likely pathogenic with strong evidence (ClinVar ID: VCV000042878, VCV000373704 /PMID: 16199542). Therefore, this variant is classified as Likely pathogenic according to the recommendation of ACMG/AMP guideline.

Literature cited by the submitters: PubMed 16199542.

NM_000257.4(MYH7):c.2092G>T (p.Val698Leu)

Gene: MYH7 (myosin heavy chain 7; minus strand). Cytogenetic location: 14q11.2.
Variant type: single nucleotide variant.
Coding change: c.2092G>T on transcript NM_000257.4 (MANE Select); coding-DNA position 2092, G replaced by T.
Protein change: p.Val698Leu; replaces valine 698 with leucine.
Molecular consequence: missense variant.
Genome position (GRCh38, 1-based): chr14:23,426,034, C>A on the plus strand (G>T on the coding strand, the complement: MYH7 is on the minus strand). VCF-style: chr14-23426034-C-A. GRCh37 (hg19) VCF-style: chr14-23895243-C-A.
Other names: c.2092G>T, p.Val698Leu (NM_001407004.1); short protein forms V698L.
Identifiers: ClinVar variation 4855031 (VCV004855031.1).
Genomic context (GRCh38, chr14:23,426,034, plus strand): 5'-AGTCCCCGTAGAGGATGCGGTTGGGGAAGCCTTTCCTGCAGATGCGGATGCCCTCCAGCA[C>A]ACCATTGCAGCGCAGCTGGTGCATGACCAGGGGGTTGTCCATCACCCCTGTGGCAAGAAG-3'
Protein context (NP_000248.2, residues 688-708): LVMHQLRCNG[Val698Leu]LEGIRICRKG